The following is an entry in ClinVar:

NM_000218.3(KCNQ1):c.1514+12777_1514+12779dup

Genes: KCNQ1 (potassium voltage-gated channel subfamily Q member 1; plus strand), KCNQ1OT1 (KCNQ1 opposite strand/antisense transcript 1; minus strand). Cytogenetic location: 11p15.5.
Variant type: Duplication.
Coding change: c.1514+12777_1514+12779dup on transcript NM_000218.3 (MANE Select); bases 12777 to 12779 of the intron after coding-DNA position 1514, 3 bases duplicated (AAA; older notation c.1514+12777_1514+12779dupAAA).
Molecular consequence: intron variant.
Genome position (GRCh38, 1-based): chr11:2,674,858-2,674,860, AAA duplicated; duplicating any 3 consecutive bases within chr11:2,674,833-2,674,860 gives the same sequence; the c. name uses the placement nearest the transcript's 3' end. VCF-style (leftmost placement, unchanged base first): chr11-2674832-T-TAAA. GRCh37 (hg19) VCF-style: chr11-2696062-T-TAAA.
Other names: c.1244+12777_1244+12779dup (NM_001406837.1); c.1418+12777_1418+12779dup (NM_001406836.1); c.974+12777_974+12779dup (NM_001406838.1); c.1133+12777_1133+12779dup (NM_181798.2).
Identifiers: ClinVar variation 1879190 (VCV001879190.29), dbSNP rs34219164, ClinGen allele CA675035013.

ClinVar aggregate classification (germline): Benign (1 of 4 stars; one submission).

Submission:

CeGaT Center for Human Genetics Tuebingen
Classification: Benign. Last evaluated: 2022-12-01. Review status: criteria provided, single submitter. Criteria: CeGaT Center For Human Genetics Tuebingen Variant Classification Criteria Version 2. Collection method: clinical testing. Allele origin: germline. Affected: yes. Observed: 1 variant allele.
Comment: KCNQ1OT1: BS1, BS2